The following is an entry in ClinVar:

NM_000059.4(BRCA2):c.6859A>G (p.Arg2287Gly)

Gene: BRCA2 (BRCA2 DNA repair associated; plus strand). Cytogenetic location: 13q13.1.
Variant type: single nucleotide variant.
Coding change: c.6859A>G on transcript NM_000059.4 (MANE Select); coding-DNA position 6859, A replaced by G.
Protein change: p.Arg2287Gly; replaces arginine 2287 with glycine.
Molecular consequence: missense variant.
Genome position (GRCh38, 1-based): chr13:32,344,575, A>G. VCF-style: chr13-32344575-A-G. GRCh37 (hg19) VCF-style: chr13-32918712-A-G.
Other names: short protein forms R2287G.
Identifiers: ClinVar variation 234856 (VCV000234856.18), dbSNP rs876661261, ClinGen allele CA10577484.

ClinVar aggregate classification (germline): Uncertain significance. Review status: criteria provided, multiple submitters, no conflicts (2 of 4 stars). 4 submissions from 4 submitters: Uncertain significance (4). Last evaluated 2025-07-15.

Conditions:
Hereditary cancer-predisposing syndrome. Also called: Hereditary neoplastic syndrome; Hereditary Cancer Syndrome; Neoplastic Syndromes, Hereditary; Tumor predisposition. Identifiers: Orphanet 140162, MedGen C0027672, MeSH D009386, MONDO:0015356.
Hereditary breast ovarian cancer syndrome. Also called: BRCA1- and BRCA2-Associated Hereditary Breast and Ovarian Cancer; Hereditary breast and ovarian cancer syndrome; Hereditary breast and ovarian cancer; Hereditary breast and ovarian cancer syndrome (HBOC); Breast and ovarian cancer; Hereditary breast and/or ovarian cancer syndrome. Identifiers: Orphanet 145, MedGen C0677776, MeSH D061325, MONDO:0003582. Disease mechanism: loss of function.

Allele frequency attached by ClinVar (database versions not stated): gnomAD exomes below 0.00001.
gnomAD v4.1: 1 of 1,556,226 alleles (0.000064%); highest among the groups gnomAD compares: Non-Finnish European, 0.000088%; no homozygotes.

Submissions (4):

Ambry Genetics
Classification: Uncertain significance for Hereditary cancer-predisposing syndrome. Last evaluated: 2025-07-15. Review status: criteria provided, single submitter. Criteria: Ambry Variant Classification Scheme 2023. Collection method: clinical testing. Allele origin: germline.
Comment: The p.R2287G variant (also known as c.6859A>G), located in coding exon 11 of the BRCA2 gene, results from an A to G substitution at nucleotide position 6859. The arginine at codon 2287 is replaced by glycine, an amino acid with dissimilar properties. This amino acid position is highly conserved in available vertebrate species. In addition, this alteration is predicted to be deleterious by in silico analysis. Since supporting evidence is limited at this time, the clinical significance of this alteration remains unclear.

Color Diagnostics, LLC DBA Color Health
Classification: Uncertain significance for Hereditary cancer-predisposing syndrome. Last evaluated: 2025-05-20. Review status: criteria provided, single submitter. Criteria: ACMG Guidelines, 2015. Collection method: clinical testing. Allele origin: germline.
Comment: This missense variant replaces arginine with glycine at codon 2287 of the BRCA2 protein. Computational prediction is inconclusive regarding the impact of this variant on protein structure and function. To our knowledge, functional studies have not been reported for this variant. This variant has not been reported in individuals affected with BRCA2-related disorders in the literature. This variant has not been identified in the general population by the Genome Aggregation Database (gnomAD). The available evidence is insufficient to determine the role of this variant in disease conclusively. Therefore, this variant is classified as a Variant of Uncertain Significance.

Labcorp Genetics (formerly Invitae), Labcorp
Classification: Uncertain significance for Hereditary breast ovarian cancer syndrome. Last evaluated: 2025-04-29. Review status: criteria provided, single submitter. Criteria: Invitae Variant Classification Sherloc (09022015). Collection method: clinical testing. Allele origin: germline.
Comment: This sequence change replaces arginine, which is basic and polar, with glycine, which is neutral and non-polar, at codon 2287 of the BRCA2 protein (p.Arg2287Gly). This variant is not present in population databases (gnomAD no frequency). This variant has not been reported in the literature in individuals affected with BRCA2-related conditions. ClinVar contains an entry for this variant (Variation ID: 234856). Invitae Evidence Modeling of protein sequence and biophysical properties (such as structural, functional, and spatial information, amino acid conservation, physicochemical variation, residue mobility, and thermodynamic stability) indicates that this missense variant is not expected to disrupt BRCA2 protein function with a negative predictive value of 95%. In summary, the available evidence is currently insufficient to determine the role of this variant in disease. Therefore, it has been classified as a Variant of Uncertain Significance.

GeneDx
Classification: Uncertain significance. Last evaluated: 2016-02-22. Review status: criteria provided, single submitter. Criteria: GeneDx Variant Classification (06012015). Collection method: clinical testing. Allele origin: germline. Affected: yes.
Comment: This variant is denoted BRCA2 c.6859A>G at the cDNA level, p.Arg2287Gly (R2287G) at the protein level, and results in the change of an Arginine to a Glycine (AGA>GGA). Using alternate nomenclature, this variant would be defined as BRCA2 7087A>G. This variant has not, to our knowledge, been published in the literature as pathogenic or benign. BRCA2 Arg2287Gly was not observed in approximately 6,500 individuals of European and African American ancestry in the NHLBI Exome Sequencing Project, suggesting it is not a common benign variant in these populations. Since Arginine and Glycine differ in polarity, charge, size or other properties, this is considered a non-conservative amino acid substitution. BRCA2 Arg2287Gly occurs at a position that is conserved across species and is not located in a known functional domain. In silico analyses predict that this variant is probably damaging to protein structure and function. Based on currently available evidence, it is unclear whether BRCA2 Arg2287Gly is a pathogenic or benign variant. We consider it to be a variant of uncertain significance.